The following is an entry in ClinVar:

ClinVar aggregate classification (germline): Uncertain significance (1 of 4 stars; one submission).

Conditions:
Hereditary cancer-predisposing syndrome. Also called: Neoplastic Syndromes, Hereditary; Tumor predisposition; Hereditary neoplastic syndrome; Hereditary Cancer Syndrome. Identifiers: Orphanet 140162, MedGen C0027672, MeSH D009386, MONDO:0015356.

Submission:

Ambry Genetics
Classification: Uncertain significance for Hereditary cancer-predisposing syndrome. Last evaluated: 2021-03-13. Review status: criteria provided, single submitter. Criteria: Ambry Variant Classification Scheme 2023. Collection method: clinical testing. Allele origin: germline.
Comment: The p.P2053H variant (also known as c.6158C>A), located in coding exon 15 of the APC gene, results from a C to A substitution at nucleotide position 6158. The proline at codon 2053 is replaced by histidine, an amino acid with similar properties. This amino acid position is highly conserved in available vertebrate species. In addition, in silico predictors for this gene do not accurately predict pathogenicity. Since supporting evidence is limited at this time, the clinical significance of this alteration remains unclear.

NM_000038.6(APC):c.6158C>A (p.Pro2053His)

Gene: APC (APC regulator of Wnt signaling pathway; plus strand). Cytogenetic location: 5q22.2.
Variant type: single nucleotide variant.
Coding change: c.6158C>A on transcript NM_000038.6 (MANE Select); coding-DNA position 6158, C replaced by A.
Protein change: p.Pro2053His; replaces proline 2053 with histidine.
Molecular consequence: missense variant.
Genome position (GRCh38, 1-based): chr5:112,841,752, C>A. VCF-style: chr5-112841752-C-A. GRCh37 (hg19) VCF-style: chr5-112177449-C-A.
Other names: c.6158C>A, p.Pro2053His (NM_001127510.3, NM_001354895.2); c.6104C>A, p.Pro2035His (NM_001127511.3); c.6212C>A, p.Pro2071His (NM_001354896.2); c.6188C>A, p.Pro2063His (NM_001354897.2); c.6083C>A, p.Pro2028His (NM_001354898.2); c.6074C>A, p.Pro2025His (NM_001354899.2); c.6035C>A, p.Pro2012His (NM_001354900.2); c.5981C>A, p.Pro1994His (NM_001354901.2); and 5 more; short protein forms P2012H, P1893H, P2028H, P1994H, P2025H, P2035H, P2071H, P1770H.
Identifiers: ClinVar variation 826214 (VCV000826214.4), dbSNP rs1580668303, ClinGen allele CA16034817.
Genomic context (GRCh38, chr5:112,841,752, plus strand): 5'-ACTCTGAAGATGACCTGTTGCAGGAATGTATAAGCTCCGCAATGCCAAAAAAGAAAAAGC[C>A]TTCAAGACTCAAGGGTGATAATGAAAAACATAGTCCCAGAAATATGGGTGGCATATTAGG-3'
Protein context (NP_000029.2, residues 2043-2063): ISSAMPKKKK[Pro2053His]SRLKGDNEKH